The following is an entry in ClinVar:

ClinVar aggregate classification (germline): Pathogenic (1 of 4 stars; one submission).

Conditions:
Epilepsy, childhood absence, susceptibility to, 5. Identifiers: Orphanet 64280, MedGen C2677087, MONDO:0012843, OMIM 612269.
Epilepsy, childhood absence, susceptibility to, 1. Also called: Epilepsy, childhood absence 1. Identifiers: Orphanet 64280, MedGen C1838604, MONDO:0020759, OMIM 600131.

Submission:

Labcorp Genetics (formerly Invitae), Labcorp
Classification: Pathogenic for Epilepsy, childhood absence, susceptibility to, 5; Epilepsy, childhood absence, susceptibility to, 1. Last evaluated: 2025-08-21. Review status: criteria provided, single submitter. Criteria: Invitae Variant Classification Sherloc (09022015). Collection method: clinical testing. Allele origin: germline.
Comment: This sequence change replaces lysine, which is basic and polar, with glutamine, which is neutral and polar, at codon 299 of the GABRB3 protein (p.Lys299Gln). This variant is not present in population databases (gnomAD no frequency). This missense change has been observed in individual(s) with clinical features of early infantile epileptic encephalopathy (PMID: 34120799; internal data). In at least one individual the variant was observed to be de novo. ClinVar contains an entry for this variant (Variation ID: 582255). Invitae Evidence Modeling of protein sequence and biophysical properties (such as structural, functional, and spatial information, amino acid conservation, physicochemical variation, residue mobility, and thermodynamic stability) has been performed for this missense variant. However, the output from this modeling did not meet the statistical confidence thresholds required to predict the impact of this variant on GABRB3 protein function. For these reasons, this variant has been classified as Pathogenic.

Literature cited by the submitters: PubMed 34120799.

NM_000814.6(GABRB3):c.895A>C (p.Lys299Gln)

Gene: GABRB3 (gamma-aminobutyric acid type A receptor subunit beta3; minus strand). Cytogenetic location: 15q12.
Variant type: single nucleotide variant.
Coding change: c.895A>C on transcript NM_000814.6 (MANE Select); coding-DNA position 895, A replaced by C.
Protein change: p.Lys299Gln; replaces lysine 299 with glutamine.
Molecular consequence: missense variant.
Genome position (GRCh38, 1-based): chr15:26,561,117, T>G on the plus strand (A>C on the coding strand, the complement: GABRB3 is on the minus strand). VCF-style: chr15-26561117-T-G. GRCh37 (hg19) VCF-style: chr15-26806264-T-G.
Other names: c.640A>C, p.Lys214Gln (NM_001191320.2, NM_001278631.2); c.682A>C, p.Lys228Gln (NM_001191321.3); c.895A>C, p.Lys299Gln (NM_021912.5); short protein forms K299Q, K228Q, K214Q.
Identifiers: ClinVar variation 582255 (VCV000582255.9), dbSNP rs1567106381, ClinGen allele CA391462195.